The following is an entry in ClinVar:

ClinVar aggregate classification (germline): Uncertain significance (1 of 4 stars; one submission).

Conditions:
Hereditary hemorrhagic telangiectasia (HHT). Also called: ORW DISEASE; Osler Weber Rendu syndrome; OSLER-RENDU-WEBER DISEASE; Osler hemorrhagic telangiectasia syndrome. Identifiers: Orphanet 774, MedGen C0039445, MONDO:0019180. Disease mechanism: loss of function.

Allele frequency attached by ClinVar (database versions not stated): TOPMed 0.00001; gnomAD 0.00003.
gnomAD v4.1: 4 of 1,586,236 alleles (0.00025%); highest among the groups gnomAD compares: African/African-American, 0.0054%; no homozygotes.

Submission:

Labcorp Genetics (formerly Invitae), Labcorp
Classification: Uncertain significance for Hereditary hemorrhagic telangiectasia. Last evaluated: 2023-05-19. Review status: criteria provided, single submitter. Criteria: Invitae Variant Classification Sherloc (09022015). Collection method: clinical testing. Allele origin: germline.
Comment: This sequence change replaces serine, which is neutral and polar, with arginine, which is basic and polar, at codon 23 of the ENG protein (p.Ser23Arg). This variant is present in population databases (no rsID available, gnomAD 0.02%). This variant has not been reported in the literature in individuals affected with ENG-related conditions. An algorithm developed to predict the effect of missense changes on protein structure and function (PolyPhen-2) suggests that this variant is likely to be tolerated. In summary, the available evidence is currently insufficient to determine the role of this variant in disease. Therefore, it has been classified as a Variant of Uncertain Significance.

NM_001114753.3(ENG):c.67A>C (p.Ser23Arg)

Gene: ENG (endoglin; minus strand). Cytogenetic location: 9q34.11.
Variant type: single nucleotide variant.
Coding change: c.67A>C on transcript NM_001114753.3 (MANE Select); coding-DNA position 67, A replaced by C.
Protein change: p.Ser23Arg; replaces serine 23 with arginine.
Molecular consequence: missense variant.
Genome position (GRCh38, 1-based): chr9:127,854,289, T>G on the plus strand (A>C on the coding strand, the complement: ENG is on the minus strand). VCF-style: chr9-127854289-T-G. GRCh37 (hg19) VCF-style: chr9-130616568-T-G.
Other names: c.67A>C, p.Ser23Arg (NM_000118.4, NM_001406715.1); short protein forms S23R.
Identifiers: ClinVar variation 2849383 (VCV002849383.3), dbSNP rs1185363650, ClinGen allele CA374989496.